The following is an entry in ClinVar:

ClinVar aggregate classification (germline): Uncertain significance (1 of 4 stars; one submission).

Conditions:
Catecholaminergic polymorphic ventricular tachycardia 1. Also called: VENTRICULAR TACHYCARDIA, CATECHOLAMINERGIC POLYMORPHIC, 1, WITH OR WITHOUT ATRIAL DYSFUNCTION AND/OR DILATED CARDIOMYOPATHY; RYR2-Related Catecholaminergic Polymorphic Ventricular Tachycardia; VENTRICULAR TACHYCARDIA, STRESS-INDUCED POLYMORPHIC 1. Identifiers: Orphanet 3286, MedGen C1631597, MONDO:0011484, OMIM 604772.

Allele frequency attached by ClinVar (database versions not stated): TOPMed below 0.00001; gnomAD 0.00001.
gnomAD v4.1: 3 of 1,613,686 alleles (0.00019%); highest among the groups gnomAD compares: Non-Finnish European, 0.00025%; no homozygotes.

Submission:

Labcorp Genetics (formerly Invitae), Labcorp
Classification: Uncertain significance for Catecholaminergic polymorphic ventricular tachycardia 1. Last evaluated: 2024-01-14. Review status: criteria provided, single submitter. Criteria: Invitae Variant Classification Sherloc (09022015). Collection method: clinical testing. Allele origin: germline.
Comment: This sequence change replaces histidine, which is basic and polar, with arginine, which is basic and polar, at codon 410 of the RYR2 protein (p.His410Arg). This variant is not present in population databases (gnomAD no frequency). This variant has not been reported in the literature in individuals affected with RYR2-related conditions. ClinVar contains an entry for this variant (Variation ID: 2038540). Advanced modeling of protein sequence and biophysical properties (such as structural, functional, and spatial information, amino acid conservation, physicochemical variation, residue mobility, and thermodynamic stability) performed at Invitae indicates that this missense variant is not expected to disrupt RYR2 protein function with a negative predictive value of 95%. In summary, the available evidence is currently insufficient to determine the role of this variant in disease. Therefore, it has been classified as a Variant of Uncertain Significance.

NM_001035.3(RYR2):c.1229A>G (p.His410Arg)

Gene: RYR2 (ryanodine receptor 2; plus strand). Cytogenetic location: 1q43.
Variant type: single nucleotide variant.
Coding change: c.1229A>G on transcript NM_001035.3 (MANE Select); coding-DNA position 1229, A replaced by G.
Protein change: p.His410Arg; replaces histidine 410 with arginine.
Molecular consequence: missense variant.
Genome position (GRCh38, 1-based): chr1:237,445,459, A>G. VCF-style: chr1-237445459-A-G. GRCh37 (hg19) VCF-style: chr1-237608759-A-G.
Other names: short protein forms H410R.
Identifiers: ClinVar variation 2038540 (VCV002038540.4), dbSNP rs1484635180, ClinGen allele CA345377689.
Genomic context (GRCh38, chr1:237,445,459, plus strand): 5'-AGGCTATTATGCATCATGAAGGCCACATGGATGATGGCATAAGTTTGTCGAGATCCCAGC[A>G]TGAAGAATCACGCACAGCCCGAGTTATCCGGAGCACAGTCTTCCTTTTCAATAGATTTAT-3'
Protein context (NP_001026.2, residues 400-420): DDGISLSRSQ[His410Arg]EESRTARVIR